The following is an entry in ClinVar:

NM_003285.3(TNR):c.1911T>A (p.His637Gln)

Gene: TNR (tenascin R; minus strand). Cytogenetic location: 1q25.1.
Variant type: single nucleotide variant.
Coding change: c.1911T>A on transcript NM_003285.3 (MANE Select); coding-DNA position 1911, T replaced by A.
Protein change: p.His637Gln; replaces histidine 637 with glutamine.
Molecular consequence: missense variant.
Genome position (GRCh38, 1-based): chr1:175,379,604, A>T on the plus strand (T>A on the coding strand, the complement: TNR is on the minus strand). VCF-style: chr1-175379604-A-T. GRCh37 (hg19) VCF-style: chr1-175348740-A-T.
Other names: c.912T>A, p.His304Gln (NM_001328635.2); short protein forms H637Q, H304Q.
Identifiers: ClinVar variation 3459441 (VCV003459441.2).
Genomic context (GRCh38, chr1:175,379,604, plus strand): 5'-TTACTCACCTGTCAGGGTGGCCCTGGTGGTTGGACCAATGCCCCTGGGGACCAGTACCTC[A>T]TGATATTGCTCACCCGCCAGGGTGCTGTACACAACCTTGTACTCCTGAACTTCGGCTTCA-3'
Protein context (NP_003276.3, residues 627-647): VYSTLAGEQY[His637Gln]EVLVPRGIGP

ClinVar aggregate classification (germline): Uncertain significance. Review status: criteria provided, multiple submitters, no conflicts (2 of 4 stars). 2 submissions from 2 submitters: Uncertain significance (2). Last evaluated 2026-08-01.

Conditions:
Inborn genetic diseases. Identifiers: MedGen C0950123, MeSH D030342.

gnomAD v4.1: 44 of 1,614,058 alleles (0.0027%); highest among the groups gnomAD compares: Admixed American, 0.035%; no homozygotes.

Submissions (2):

CeGaT Center for Human Genetics Tuebingen
Classification: Uncertain significance. Last evaluated: 2026-08-01. Review status: criteria provided, single submitter. Criteria: CeGaT Center For Human Genetics Tuebingen Variant Classification Criteria Version 2. Collection method: clinical testing. Allele origin: germline. Affected: yes. Observed: 1 variant allele.
Comment: TNR: PM2

Ambry Genetics
Classification: Uncertain significance for Inborn genetic diseases. Last evaluated: 2024-08-05. Review status: criteria provided, single submitter. Criteria: Ambry Variant Classification Scheme 2023. Collection method: clinical testing. Allele origin: germline.